The following is an entry in ClinVar:

NM_014141.6(CNTNAP2):c.3674C>T (p.Ser1225Leu)

Gene: CNTNAP2 (contactin associated protein 2; plus strand). Cytogenetic location: 7q36.1.
Variant type: single nucleotide variant.
Coding change: c.3674C>T on transcript NM_014141.6 (MANE Select); coding-DNA position 3674, C replaced by T.
Protein change: p.Ser1225Leu; replaces serine 1225 with leucine.
Molecular consequence: missense variant.
Genome position (GRCh38, 1-based): chr7:148,383,847, C>T. VCF-style: chr7-148383847-C-T. GRCh37 (hg19) VCF-style: chr7-148080939-C-T.
Other names: short protein forms S1225L.
Identifiers: ClinVar variation 857709 (VCV000857709.10), dbSNP rs147706292, ClinGen allele CA4546725.

ClinVar aggregate classification (germline): Uncertain significance (1 of 4 stars; one submission).

Conditions:
Cortical dysplasia-focal epilepsy syndrome (PTHSL1). Also called: Pitt-Hopkins-like syndrome 1. Identifiers: Orphanet 163681, Orphanet 221150, MedGen C2750246, MONDO:0012400, OMIM 610042.

Allele frequency attached by ClinVar (database versions not stated): gnomAD exomes below 0.00001; ExAC 0.00001; TOPMed 0.00001; ESP Exome Variant Server 0.00008.
gnomAD v4.1: 1 of 1,614,006 alleles (0.000062%); highest among the groups gnomAD compares: Middle Eastern, 0.016%; no homozygotes.

Submission:

Labcorp Genetics (formerly Invitae), Labcorp
Classification: Uncertain significance for Cortical dysplasia-focal epilepsy syndrome. Last evaluated: 2024-02-24. Review status: criteria provided, single submitter. Criteria: Invitae Variant Classification Sherloc (09022015). Collection method: clinical testing. Allele origin: germline.
Comment: This sequence change replaces serine, which is neutral and polar, with leucine, which is neutral and non-polar, at codon 1225 of the CNTNAP2 protein (p.Ser1225Leu). This variant is present in population databases (rs147706292, gnomAD 0.0009%). This variant has not been reported in the literature in individuals affected with CNTNAP2-related conditions. ClinVar contains an entry for this variant (Variation ID: 857709). An algorithm developed to predict the effect of missense changes on protein structure and function (PolyPhen-2) suggests that this variant is likely to be tolerated. In summary, the available evidence is currently insufficient to determine the role of this variant in disease. Therefore, it has been classified as a Variant of Uncertain Significance.